The following is an entry in ClinVar:

ClinVar aggregate classification (germline): Benign/Likely benign. Review status: criteria provided, multiple submitters, no conflicts (2 of 4 stars). 7 submissions from 7 submitters: Benign (4); Likely benign (2). 1 of the submissions does not count toward it. Last evaluated 2026-01-25.

Conditions:
Autoinflammatory syndrome. Identifiers: Orphanet 93665, MedGen C3890737, MONDO:0019751.
CARD14-related disorder. Also called: CARD14-related condition.
Pityriasis rubra pilaris (PRP). Also called: Pityriasis rubra pilaris--familial type. Identifiers: Orphanet 2897, MedGen C0032027, MONDO:0100017, OMIM 173200, MONDO:0008251.
Psoriasis 2. Identifiers: MedGen C1864497, MONDO:0011269, OMIM 602723.

Allele frequency attached by ClinVar (database versions not stated): gnomAD 0.00419 and 0.00457; 1000 Genomes Project 0.00439; 1000 Genomes Project 30x 0.00453; TOPMed 0.00472; ESP Exome Variant Server 0.00492; gnomAD exomes 0.00043 and 0.00118; ExAC 0.00151.
gnomAD v4.1: 1,274 of 1,611,048 alleles (0.079%); highest among the groups gnomAD compares: African/African-American, 1.5%; 9 homozygotes.

Submissions (7):

Labcorp Genetics (formerly Invitae), Labcorp
Classification: Benign for Pityriasis rubra pilaris; Psoriasis 2. Last evaluated: 2026-01-25. Review status: criteria provided, single submitter. Criteria: Invitae Variant Classification Sherloc (09022015). Collection method: clinical testing. Allele origin: germline.

Women's Health and Genetics/Laboratory Corporation of America, LabCorp
Classification: Likely benign. Last evaluated: 2026-01-22. Review status: criteria provided, single submitter. Criteria: LabCorp Variant Classification Summary - May 2015. Collection method: clinical testing. Allele origin: germline.

Mayo Clinic Laboratories, Mayo Clinic
Classification: Benign. Last evaluated: 2025-09-30. Review status: criteria provided, single submitter. Criteria: ACMG Guidelines, 2015. Collection method: clinical testing. Allele origin: germline. Observed: 2 variant alleles.
Comment: BS1, BS2, BP4_moderate

Blueprint Genetics
Classification: Likely benign. Last evaluated: 2024-11-26. Review status: criteria provided, single submitter. Criteria: ACMG Guidelines, 2015. Collection method: clinical testing. Allele origin: germline.

Genome Diagnostics Laboratory, The Hospital for Sick Children
Classification: Benign for Autoinflammatory syndrome. Last evaluated: 2022-03-25. Review status: criteria provided, single submitter. Criteria: ACMG Guidelines, 2015. Collection method: clinical testing. Allele origin: germline. Affected: yes.

Breakthrough Genomics
Classification: Benign. Review status: criteria provided, single submitter. Criteria: ACMG Guidelines, 2015. Collection method: not provided. Allele origin: germline. Inheritance: Autosomal dominant inheritance. Affected: yes.

PreventionGenetics, part of Exact Sciences
Classification: Benign for CARD14-related condition. Last evaluated: 2019-10-02. Review status: no assertion criteria provided. Collection method: clinical testing. Allele origin: germline. Not counted in ClinVar's aggregate classification.
Comment: This variant is classified as benign based on ACMG/AMP sequence variant interpretation guidelines (Richards et al. 2015 PMID: 25741868, with internal and published modifications).

NM_001366385.1(CARD14):c.709A>C (p.Asn237His)

Gene: CARD14 (caspase recruitment domain family member 14; plus strand). Cytogenetic location: 17q25.3.
Variant type: single nucleotide variant.
Coding change: c.709A>C on transcript NM_001366385.1 (MANE Select); coding-DNA position 709, A replaced by C.
Protein change: p.Asn237His; replaces asparagine 237 with histidine.
Molecular consequence: missense variant. On other transcripts: 5 prime UTR variant (1), non-coding transcript variant (1).
Genome position (GRCh38, 1-based): chr17:80,188,410, A>C. VCF-style: chr17-80188410-A-C. GRCh37 (hg19) VCF-style: chr17-78162209-A-C.
Other names: p.Asn237His; c.709A>C, p.Asn237His (NM_024110.4, NM_001257970.1); c.-3A>C (NM_052819.3); short protein forms N237H.
Identifiers: ClinVar variation 458108 (VCV000458108.21), dbSNP rs114218658, ClinGen allele CA8816505.